The following is an entry in ClinVar:

NM_001278669.2(NFATC1):c.1201C>A (p.Pro401Thr)

Gene: NFATC1 (nuclear factor of activated T cells 1; plus strand). Cytogenetic location: 18q23.
Variant type: single nucleotide variant.
Coding change: c.1201C>A on transcript NM_001278669.2 (MANE Select); coding-DNA position 1201, C replaced by A.
Protein change: p.Pro401Thr; replaces proline 401 with threonine.
Molecular consequence: missense variant. On other transcripts: intron variant (2).
Genome position (GRCh38, 1-based): chr18:79,411,476, C>A. VCF-style: chr18-79411476-C-A. GRCh37 (hg19) VCF-style: chr18-77171476-C-A.
Other names: c.1201C>A, p.Pro401Thr (NM_001278670.2, NM_006162.5, NM_172390.3); c.1162C>A, p.Pro388Thr (NM_001278672.2, NM_001278675.2, NM_172387.3 and 1 more transcripts); c.-191+15125C>A (NM_172388.3); c.-191+10997C>A (NM_001278673.2); c.1162C>A (NM_172387.1); short protein forms P388T, P401T.
Identifiers: ClinVar variation 3715827 (VCV003715827.3).

ClinVar aggregate classification (germline): Uncertain significance. Review status: criteria provided, multiple submitters, no conflicts (2 of 4 stars). 2 submissions from 2 submitters: Uncertain significance (2). Last evaluated 2025-06-07.

gnomAD v4.1: 18 of 1,513,456 alleles (0.0012%); highest among the groups gnomAD compares: African/African-American, 0.0014%; no homozygotes.

Submissions (2):

Ambry Genetics
Classification: Uncertain significance. Last evaluated: 2025-06-07. Review status: criteria provided, single submitter. Criteria: Ambry Variant Classification Scheme 2023. Collection method: clinical testing. Allele origin: germline.

Labcorp Genetics (formerly Invitae), Labcorp
Classification: Uncertain significance. Last evaluated: 2025-04-02. Review status: criteria provided, single submitter. Criteria: Invitae Variant Classification Sherloc (09022015). Collection method: clinical testing. Allele origin: germline.
Comment: This sequence change replaces proline, which is neutral and non-polar, with threonine, which is neutral and polar, at codon 401 of the NFATC1 protein (p.Pro401Thr). This variant is present in population databases (rs570950086, gnomAD 0.008%). This variant has not been reported in the literature in individuals affected with NFATC1-related conditions. ClinVar contains an entry for this variant (Variation ID: 3715827). An algorithm developed to predict the effect of missense changes on protein structure and function (PolyPhen-2) suggests that this variant is likely to be tolerated. In summary, the available evidence is currently insufficient to determine the role of this variant in disease. Therefore, it has been classified as a Variant of Uncertain Significance.